The following is an entry in ClinVar:

ClinVar aggregate classification (germline): Likely benign. Review status: criteria provided, multiple submitters, no conflicts (2 of 4 stars). 5 submissions from 5 submitters: Likely benign (4). 1 of the submissions does not count toward it. Last evaluated 2026-01-05.

Conditions:
Cardiovascular phenotype. Identifiers: MedGen CN230736.
BGN-related disorder. Also called: BGN-related condition.

Allele frequency attached by ClinVar (database versions not stated): gnomAD exomes 0.00002 and 0.00005; TOPMed 0.00002; gnomAD 0.00003 and 0.00004.
gnomAD v4.1: 55 of 1,202,220 alleles (0.0046%); highest among the groups gnomAD compares: Non-Finnish European, 0.0055%; no homozygotes.

Submissions (5):

Labcorp Genetics (formerly Invitae), Labcorp
Classification: Likely benign. Last evaluated: 2026-01-05. Review status: criteria provided, single submitter. Criteria: Invitae Variant Classification Sherloc (09022015). Collection method: clinical testing. Allele origin: germline.

Women's Health and Genetics/Laboratory Corporation of America, LabCorp
Classification: Likely benign. Last evaluated: 2024-06-24. Review status: criteria provided, single submitter. Criteria: LabCorp Variant Classification Summary - May 2015. Collection method: clinical testing. Allele origin: germline.

Blueprint Genetics
Classification: Likely benign. Last evaluated: 2023-09-15. Review status: criteria provided, single submitter. Criteria: ACMG Guidelines, 2015. Collection method: clinical testing. Allele origin: germline.

Ambry Genetics
Classification: Likely benign for Cardiovascular phenotype. Last evaluated: 2020-11-15. Review status: criteria provided, single submitter. Criteria: Ambry Variant Classification Scheme 2023. Collection method: clinical testing. Allele origin: germline.

PreventionGenetics, part of Exact Sciences
Classification: Likely benign for BGN-related condition. Last evaluated: 2023-10-03. Review status: no assertion criteria provided. Collection method: clinical testing. Allele origin: germline. Not counted in ClinVar's aggregate classification.
Comment: This variant is classified as likely benign based on ACMG/AMP sequence variant interpretation guidelines (Richards et al. 2015 PMID: 25741868, with internal and published modifications).

NM_001711.6(BGN):c.891A>G (p.Pro297=)

Gene: BGN (biglycan; plus strand). Cytogenetic location: Xq28.
Variant type: single nucleotide variant.
Coding change: c.891A>G on transcript NM_001711.6 (MANE Select); coding-DNA position 891, A replaced by G.
Protein change: p.Pro297=; no amino-acid change (proline 297 retained).
Molecular consequence: synonymous variant.
Genome position (GRCh38, 1-based): chrX:153,507,167, A>G. VCF-style: chrX-153507167-A-G. GRCh37 (hg19) VCF-style: chrX-152772625-A-G.
Other names: c.891A>G (NM_001711.5).
Identifiers: ClinVar variation 1550272 (VCV001550272.14), dbSNP rs782750179, ClinGen allele CA10547347.